The following is an entry in ClinVar:

ClinVar aggregate classification (germline): Likely benign. Review status: criteria provided, multiple submitters, no conflicts (2 of 4 stars). 3 submissions from 3 submitters: Likely benign (3). Last evaluated 2026-09-09.

Conditions:
Nephronophthisis. Also called: Juvenile Nephronophthisis. Identifiers: Orphanet 655, MedGen C0687120, MONDO:0019005, HP:0000090.
NPHP1-related disorder. Also called: NPHP1-related condition; NPHP1-related disorders.

Allele frequency attached by ClinVar (database versions not stated): ExAC 0.00001; gnomAD 0.00001; gnomAD exomes 0.00001; TOPMed 0.00001; 1000 Genomes Project 30x 0.00016; 1000 Genomes Project 0.00020.
gnomAD v4.1: 9 of 1,611,992 alleles (0.00056%); highest among the groups gnomAD compares: East Asian, 0.0022%; no homozygotes.

Submissions (3):

PreventionGenetics, part of Exact Sciences
Classification: Likely benign for NPHP1-related condition. Last evaluated: 2026-09-09. Review status: criteria provided, single submitter. Criteria: ACMG Guidelines, 2015. Collection method: clinical testing. Allele origin: germline.
Comment: This variant is classified as likely benign based on ACMG/AMP sequence variant interpretation guidelines (Richards et al. 2015 PMID: 25741868, with internal and published modifications).

Labcorp Genetics (formerly Invitae), Labcorp
Classification: Likely benign for Nephronophthisis. Last evaluated: 2024-12-20. Review status: criteria provided, single submitter. Criteria: Invitae Variant Classification Sherloc (09022015). Collection method: clinical testing. Allele origin: germline.

Blueprint Genetics
Classification: Likely benign. Last evaluated: 2022-06-20. Review status: criteria provided, single submitter. Criteria: ACMG Guidelines, 2015. Collection method: clinical testing. Allele origin: germline.

NM_001128178.3(NPHP1):c.1717-8C>T

Gene: NPHP1 (nephrocystin 1; minus strand). Cytogenetic location: 2q13.
Variant type: single nucleotide variant.
Coding change: c.1717-8C>T on transcript NM_001128178.3 (MANE Select); 8 bases into the intron before coding-DNA position 1717, C replaced by T.
Molecular consequence: intron variant.
Genome position (GRCh38, 1-based): chr2:110,125,689, G>A on the plus strand (C>T on the coding strand, the complement: NPHP1 is on the minus strand). VCF-style: chr2-110125689-G-A. GRCh37 (hg19) VCF-style: chr2-110883266-G-A.
Other names: c.1528-8C>T (NM_001128179.3); c.1714-8C>T (NM_001374256.1); c.1717-8C>T (NM_001374257.1); c.1882-8C>T (NM_207181.4); c.1885-8C>T (NM_000272.5, NM_000272.3).
Identifiers: ClinVar variation 2883880 (VCV002883880.5), dbSNP rs41295841, ClinGen allele CA1826916.